The following is an entry in ClinVar:

ClinVar aggregate classification (germline): Uncertain significance. Review status: criteria provided, multiple submitters, no conflicts (2 of 4 stars). 2 submissions from 2 submitters: Uncertain significance (2). Last evaluated 2024-07-05.

Conditions:
Inborn genetic diseases. Identifiers: MedGen C0950123, MeSH D030342.

Allele frequency attached by ClinVar (database versions not stated): gnomAD 0.00001; TOPMed 0.00003; ExAC 0.00007.
gnomAD v4.1: 8 of 1,458,128 alleles (0.00055%); highest among the groups gnomAD compares: East Asian, 0.0086%; no homozygotes.

Submissions (2):

Ambry Genetics
Classification: Uncertain significance for Inborn genetic diseases. Last evaluated: 2024-07-05. Review status: criteria provided, single submitter. Criteria: Ambry Variant Classification Scheme 2023. Collection method: clinical testing. Allele origin: germline.

Labcorp Genetics (formerly Invitae), Labcorp
Classification: Uncertain significance. Last evaluated: 2024-02-17. Review status: criteria provided, single submitter. Criteria: Invitae Variant Classification Sherloc (09022015). Collection method: clinical testing. Allele origin: germline.
Comment: This sequence change replaces arginine, which is basic and polar, with tryptophan, which is neutral and slightly polar, at codon 11 of the ISCU protein (p.Arg11Trp). The frequency data for this variant in the population databases is considered unreliable, as metrics indicate poor data quality at this position in the gnomAD database. This variant has not been reported in the literature in individuals affected with ISCU-related conditions. ClinVar contains an entry for this variant (Variation ID: 1405830). Experimental studies and prediction algorithms are not available or were not evaluated, and the functional significance of this variant is currently unknown. In summary, the available evidence is currently insufficient to determine the role of this variant in disease. Therefore, it has been classified as a Variant of Uncertain Significance.

NM_213595.4(ISCU):c.31C>T (p.Arg11Trp)

Gene: ISCU (iron-sulfur cluster assembly enzyme; plus strand). Cytogenetic location: 12q23.3.
Variant type: single nucleotide variant.
Coding change: c.31C>T on transcript NM_213595.4 (MANE Select); coding-DNA position 31, C replaced by T.
Protein change: p.Arg11Trp; replaces arginine 11 with tryptophan.
Molecular consequence: missense variant. On other transcripts: 5 prime UTR variant (1), non-coding transcript variant (1).
Genome position (GRCh38, 1-based): chr12:108,562,653, C>T. VCF-style: chr12-108562653-C-T. GRCh37 (hg19) VCF-style: chr12-108956429-C-T.
Other names: c.31C>T, p.Arg11Trp (NM_001301140.1, NM_001301141.1, NM_001320042.1); c.-141C>T (NM_014301.4); c.31C>T (NM_213595.2); short protein forms R11W.
Identifiers: ClinVar variation 1405830 (VCV001405830.7), dbSNP rs761091987, ClinGen allele CA6768696.